The following is an entry in ClinVar:

ClinVar aggregate classification (germline): Uncertain significance (1 of 4 stars; one submission).

Allele frequency attached by ClinVar (database versions not stated): ExAC 0.00001; TOPMed 0.00003; ESP Exome Variant Server 0.00015; 1000 Genomes Project 30x 0.00016; 1000 Genomes Project 0.00020.
gnomAD v4.1: 14 of 1,613,890 alleles (0.00087%); highest among the groups gnomAD compares: African/African-American, 0.0027%; no homozygotes.

Submission:

Labcorp Genetics (formerly Invitae), Labcorp
Classification: Uncertain significance. Last evaluated: 2022-03-04. Review status: criteria provided, single submitter. Criteria: Invitae Variant Classification Sherloc (09022015). Collection method: clinical testing. Allele origin: germline.
Comment: This variant is present in population databases (rs77424372, gnomAD 0.003%). In summary, the available evidence is currently insufficient to determine the role of this variant in disease. Therefore, it has been classified as a Variant of Uncertain Significance. Algorithms developed to predict the effect of missense changes on protein structure and function are either unavailable or do not agree on the potential impact of this missense change (SIFT: "Tolerated"; PolyPhen-2: "Probably Damaging"; Align-GVGD: "Class C0"). This variant has not been reported in the literature in individuals affected with FERMT1-related conditions. This sequence change replaces alanine, which is neutral and non-polar, with threonine, which is neutral and polar, at codon 220 of the FERMT1 protein (p.Ala220Thr).

NM_017671.5(FERMT1):c.658G>A (p.Ala220Thr)

Gene: FERMT1 (FERM domain containing kindlin 1; minus strand). Cytogenetic location: 20p12.3.
Variant type: single nucleotide variant.
Coding change: c.658G>A on transcript NM_017671.5 (MANE Select); coding-DNA position 658, G replaced by A.
Protein change: p.Ala220Thr; replaces alanine 220 with threonine.
Molecular consequence: missense variant.
Genome position (GRCh38, 1-based): chr20:6,110,386, C>T on the plus strand (G>A on the coding strand, the complement: FERMT1 is on the minus strand). VCF-style: chr20-6110386-C-T. GRCh37 (hg19) VCF-style: chr20-6091033-C-T.
Other names: short protein forms A220T.
Identifiers: ClinVar variation 2152325 (VCV002152325.2), dbSNP rs77424372, ClinGen allele CA9758407.